The following is an entry in ClinVar:

NM_019892.6(INPP5E):c.687G>C (p.Arg229=)

Gene: INPP5E (inositol polyphosphate-5-phosphatase E; minus strand). Cytogenetic location: 9q34.3.
Variant type: single nucleotide variant.
Coding change: c.687G>C on transcript NM_019892.6 (MANE Select); coding-DNA position 687, G replaced by C.
Protein change: p.Arg229=; no amino-acid change (arginine 229 retained).
Molecular consequence: synonymous variant.
Genome position (GRCh38, 1-based): chr9:136,438,733, C>G on the plus strand (G>C on the coding strand, the complement: INPP5E is on the minus strand). VCF-style: chr9-136438733-C-G. GRCh37 (hg19) VCF-style: chr9-139333185-C-G.
Other names: c.687G>C, p.Arg229= (NM_001318502.2); c.687G>C (NM_019892.5).
Identifiers: ClinVar variation 1114081 (VCV001114081.15), dbSNP rs958712451, ClinGen allele CA201648424.

ClinVar aggregate classification (germline): Likely benign. Review status: criteria provided, multiple submitters, no conflicts (2 of 4 stars). 3 submissions from 3 submitters: Likely benign (2). 1 of the submissions does not count toward it. Last evaluated 2026-01-01.

Conditions:
Joubert syndrome. Also called: JOUBERT-BOLTSHAUSER SYNDROME; Familial aplasia of the vermis. Identifiers: Orphanet 475, MedGen C5979921, MONDO:0018772.
INPP5E-related disorder. Also called: INPP5E-related condition.

Allele frequency attached by ClinVar (database versions not stated): gnomAD exomes 0.00001.
gnomAD v4.1: 3 of 1,610,770 alleles (0.00019%); highest among the groups gnomAD compares: Admixed American, 0.0033%; no homozygotes.

Submissions (3):

CeGaT Center for Human Genetics Tuebingen
Classification: Likely benign. Last evaluated: 2026-01-01. Review status: criteria provided, single submitter. Criteria: CeGaT Center For Human Genetics Tuebingen Variant Classification Criteria Version 2. Collection method: clinical testing. Allele origin: germline. Affected: yes. Observed: 1 variant allele.
Comment: INPP5E: BP4, BP7

Labcorp Genetics (formerly Invitae), Labcorp
Classification: Likely benign for Joubert syndrome. Last evaluated: 2024-12-15. Review status: criteria provided, single submitter. Criteria: Invitae Variant Classification Sherloc (09022015). Collection method: clinical testing. Allele origin: germline.

PreventionGenetics, part of Exact Sciences
Classification: Likely benign for INPP5E-related condition. Last evaluated: 2021-07-01. Review status: no assertion criteria provided. Collection method: clinical testing. Allele origin: germline. Not counted in ClinVar's aggregate classification.
Comment: This variant is classified as likely benign based on ACMG/AMP sequence variant interpretation guidelines (Richards et al. 2015 PMID: 25741868, with internal and published modifications).